The following is an entry in ClinVar:

NM_020738.4(KIDINS220):c.802-10G>C

Gene: KIDINS220 (kinase D interacting substrate 220; minus strand). Cytogenetic location: 2p25.1.
Variant type: single nucleotide variant.
Coding change: c.802-10G>C on transcript NM_020738.4 (MANE Select); 10 bases into the intron before coding-DNA position 802, G replaced by C.
Molecular consequence: intron variant.
Genome position (GRCh38, 1-based): chr2:8,800,508, C>G on the plus strand (G>C on the coding strand, the complement: KIDINS220 is on the minus strand). VCF-style: chr2-8800508-C-G. GRCh37 (hg19) VCF-style: chr2-8940638-C-G.
Other names: c.802-10G>C (NM_001348743.2, NM_001348735.2, NM_001348732.2 and 3 more transcripts); c.805-10G>C (NM_001348740.2, NM_001348734.2, NM_001348731.2 and 3 more transcripts); c.676-10G>C (NM_001348736.2).
Identifiers: ClinVar variation 4984487 (VCV004984487.1).

ClinVar aggregate classification (germline): Likely benign (1 of 4 stars; one submission).

Conditions:
KIDINS220-related disorder. Also called: KIDINS220-related condition.

Submission:

PreventionGenetics, part of Exact Sciences
Classification: Likely benign for KIDINS220-related condition. Last evaluated: 2025-04-21. Review status: criteria provided, single submitter. Criteria: ACMG Guidelines, 2015. Collection method: clinical testing. Allele origin: germline.
Comment: This variant is classified as likely benign based on ACMG/AMP sequence variant interpretation guidelines (Richards et al. 2015 PMID: 25741868, with internal and published modifications).